The following is an entry in ClinVar:

ClinVar aggregate classification (germline): Uncertain significance. Review status: criteria provided, multiple submitters, no conflicts (2 of 4 stars). 2 submissions from 2 submitters: Uncertain significance (2). Last evaluated 2023-03-23.

Submissions (2):

Labcorp Genetics (formerly Invitae), Labcorp
Classification: Uncertain significance. Last evaluated: 2023-03-23. Review status: criteria provided, single submitter. Criteria: Invitae Variant Classification Sherloc (09022015). Collection method: clinical testing. Allele origin: germline.
Comment: This variant has not been reported in the literature in individuals affected with RINT1-related conditions. Information on the frequency of this variant in the gnomAD database is not available, as this variant may be reported differently in the database. This sequence change replaces alanine, which is neutral and non-polar, with phenylalanine, which is neutral and non-polar, at codon 423 of the RINT1 protein (p.Ala423Phe). ClinVar contains an entry for this variant (Variation ID: 1764354). In summary, the available evidence is currently insufficient to determine the role of this variant in disease. Therefore, it has been classified as a Variant of Uncertain Significance. An algorithm developed to predict the effect of missense changes on protein structure and function (PolyPhen-2) suggests that this variant is likely to be disruptive.

Ambry Genetics
Classification: Uncertain significance. Last evaluated: 2020-11-02. Review status: criteria provided, single submitter. Criteria: Ambry Variant Classification Scheme 2023. Collection method: clinical testing. Allele origin: germline.
Comment: The c.1267_1268delGCinsTT variant (also known as p.A423F), located in coding exon 9 of the RINT1 gene, results from an in-frame deletion of GC and insertion of TT at nucleotide positions 1267 to 1268. This results in the substitution of the alanine residue for a phenylalanine residue at codon 423, an amino acid with dissimilar properties. This amino acid position is not well conserved in available vertebrate species. This variant was not reported in population-based cohorts in the Genome Aggregation Database (gnomAD). In addition, the in silico prediction for this alteration is inconclusive (Choi Y et al. PLoS ONE. 2012; 7(10):e46688). Since supporting evidence is limited at this time, the clinical significance of this alteration remains unclear.

NM_021930.6(RINT1):c.1267_1268delinsTT (p.Ala423Phe)

Gene: RINT1 (RAD50 interactor 1; plus strand). Cytogenetic location: 7q22.3.
Variant type: Indel.
Coding change: c.1267_1268delinsTT on transcript NM_021930.6 (MANE Select); coding-DNA positions 1267 to 1268, GC replaced by TT.
Protein change: p.Ala423Phe; replaces alanine 423 with phenylalanine.
Molecular consequence: missense variant. On other transcripts: non-coding transcript variant (1).
Genome position (GRCh38, 1-based): chr7:105,550,420-105,550,421, GC replaced by TT. VCF-style: chr7-105550420-GC-TT. GRCh37 (hg19) VCF-style: chr7-105190867-GC-TT.
Other names: c.1033_1034delinsTT, p.Ala345Phe (NM_001346599.2); c.244_245delinsTT, p.Ala82Phe (NM_001346600.2, NM_001346603.2); c.343_344delinsTT, p.Ala115Phe (NM_001346601.2); short protein forms A345F, A115F, A423F, A82F.
Identifiers: ClinVar variation 1764354 (VCV001764354.5), dbSNP rs2485133482, ClinGen allele CA2580076202.